The following is an entry in ClinVar:

NM_015295.3(SMCHD1):c.292T>A (p.Tyr98Asn)

Gene: SMCHD1 (structural maintenance of chromosomes flexible hinge domain containing 1; plus strand). Cytogenetic location: 18p11.32.
Variant type: single nucleotide variant.
Coding change: c.292T>A on transcript NM_015295.3 (MANE Select); coding-DNA position 292, T replaced by A.
Protein change: p.Tyr98Asn; replaces tyrosine 98 with asparagine.
Molecular consequence: missense variant.
Genome position (GRCh38, 1-based): chr18:2,666,899, T>A. VCF-style: chr18-2666899-T-A. GRCh37 (hg19) VCF-style: chr18-2666898-T-A.
Other names: short protein forms Y98N.
Identifiers: ClinVar variation 2913406 (VCV002913406.3), dbSNP rs2073456602, ClinGen allele CA401687693.

ClinVar aggregate classification (germline): Uncertain significance (1 of 4 stars; one submission).

Conditions:
Facioscapulohumeral muscular dystrophy 2 (FSHD2). Also called: MUSCULAR DYSTROPHY, FACIOSCAPULOHUMERAL, TYPE 1B; FACIOSCAPULOHUMERAL MUSCULAR DYSTROPHY 2, DIGENIC; FSHD2, DIGENIC. Identifiers: Orphanet 269, MedGen C1834671, MONDO:0008031, OMIM 158901.

Allele frequency attached by ClinVar (database versions not stated): TOPMed below 0.00001; gnomAD 0.00001.
gnomAD v4.1: 1 of 1,613,380 alleles (0.000062%); highest among the groups gnomAD compares: Non-Finnish European, 0.000085%; no homozygotes.

Submission:

Labcorp Genetics (formerly Invitae), Labcorp
Classification: Uncertain significance for Facioscapulohumeral muscular dystrophy 2. Last evaluated: 2025-01-08. Review status: criteria provided, single submitter. Criteria: Invitae Variant Classification Sherloc (09022015). Collection method: clinical testing. Allele origin: germline.
Comment: This sequence change replaces tyrosine, which is neutral and polar, with asparagine, which is neutral and polar, at codon 98 of the SMCHD1 protein (p.Tyr98Asn). This variant is not present in population databases (gnomAD no frequency). This variant has not been reported in the literature in individuals affected with SMCHD1-related conditions. ClinVar contains an entry for this variant (Variation ID: 2913406). Invitae Evidence Modeling of protein sequence and biophysical properties (such as structural, functional, and spatial information, amino acid conservation, physicochemical variation, residue mobility, and thermodynamic stability) indicates that this missense variant is expected to disrupt SMCHD1 protein function with a positive predictive value of 80%. In summary, the available evidence is currently insufficient to determine the role of this variant in disease. Therefore, it has been classified as a Variant of Uncertain Significance.